The following is an entry in ClinVar:

NM_006147.4(IRF6):c.994G>A (p.Val332Ile)

Gene: IRF6 (interferon regulatory factor 6; minus strand). Cytogenetic location: 1q32.2.
Variant type: single nucleotide variant.
Coding change: c.994G>A on transcript NM_006147.4 (MANE Select); coding-DNA position 994, G replaced by A.
Protein change: p.Val332Ile; replaces valine 332 with isoleucine.
Molecular consequence: missense variant.
Genome position (GRCh38, 1-based): chr1:209,790,561, C>T on the plus strand (G>A on the coding strand, the complement: IRF6 is on the minus strand). VCF-style: chr1-209790561-C-T. GRCh37 (hg19) VCF-style: chr1-209963906-C-T.
Other names: c.709G>A, p.Val237Ile (NM_001206696.2); short protein forms V237I, V332I.
Identifiers: ClinVar variation 778743 (VCV000778743.9), dbSNP rs139649287, ClinGen allele CA1377226.
Genomic context (GRCh38, chr1:209,790,561, plus strand): 5'-GGAATGTTTCCAGACAAAATAGCTTGACCTTCTTTTGTCTCTCAATCAGGTTGGGAGCAA[C>T]AAGTGATGGGGCACATGGCCCAGACCAGTACACCTTGCACTGGCACAGCCTGATGGCATA-3'
Protein context (NP_006138.1, residues 322-342): YWSGPCAPSL[Val332Ile]APNLIERQKK

ClinVar aggregate classification (germline): Benign. Review status: criteria provided, multiple submitters, no conflicts (2 of 4 stars). 3 submissions from 2 submitters: Benign (3). Last evaluated 2024-08-23.

Conditions:
Popliteal pterygium syndrome (PPS). Identifiers: Orphanet 294963, MedGen C0265259, MONDO:0017435.
Van der Woude syndrome. Identifiers: Orphanet 888, MedGen C0175697, MONDO:0019508.
Orofacial cleft 6, susceptibility to (OFC6). Also called: CLEFT LIP WITH OR WITHOUT CLEFT PALATE, NONSYNDROMIC, 6. Identifiers: MedGen C1837213, MONDO:0012141, OMIM 608864.
Van der Woude syndrome 1. Also called: van der Woude Syndrome (VWS); CLEFT LIP AND/OR PALATE WITH MUCOUS CYSTS OF LOWER LIP. Identifiers: MedGen C4551864, MONDO:0007333, OMIM 119300.

Allele frequency attached by ClinVar (database versions not stated): gnomAD 0.00001 and 0.00009; TOPMed 0.00003; ESP Exome Variant Server 0.00008; 1000 Genomes Project 30x 0.00016; gnomAD exomes 0.00017 and 0.00035; 1000 Genomes Project 0.00020; ExAC 0.00040.
gnomAD v4.1: 259 of 1,614,224 alleles (0.016%); highest among the groups gnomAD compares: South Asian, 0.25%; 7 homozygotes.

Submissions (3):

Labcorp Genetics (formerly Invitae), Labcorp
Classification: Benign for Orofacial cleft 6, susceptibility to; Van der Woude syndrome; Popliteal pterygium syndrome. Last evaluated: 2024-08-23. Review status: criteria provided, single submitter. Criteria: Invitae Variant Classification Sherloc (09022015). Collection method: clinical testing. Allele origin: germline.

Illumina Laboratory Services, Illumina
Classification: Benign for Orofacial cleft 6, susceptibility to. Last evaluated: 2018-01-13. Review status: criteria provided, single submitter. Criteria: ICSL Variant Classification Criteria 13 December 2019. Collection method: clinical testing. Allele origin: germline.
Comment: This variant was observed in the ICSL laboratory as part of a predisposition screen in an ostensibly healthy population. It had not been previously curated by ICSL or reported in the Human Gene Mutation Database (HGMD: prior to June 1st, 2018), and was therefore a candidate for classification through an automated scoring system. Utilizing variant allele frequency, disease prevalence and penetrance estimates, and inheritance mode, an automated score was calculated to assess if this variant is too frequent to cause the disease. Based on the score and internal cut-off values, a variant classified as benign is not then subjected to further curation. The score for this variant resulted in a classification of benign for this disease.

Illumina Laboratory Services, Illumina
Classification: Benign for Van der Woude syndrome 1. Last evaluated: 2018-01-13. Review status: criteria provided, single submitter. Criteria: ICSL Variant Classification Criteria 13 December 2019. Collection method: clinical testing. Allele origin: germline.
Comment: the same text as in the submission from Illumina Laboratory Services, Illumina above.